The following is an entry in ClinVar:

NM_005245.4(FAT1):c.8324A>G (p.Gln2775Arg)

Gene: FAT1 (FAT atypical cadherin 1; minus strand). Cytogenetic location: 4q35.2.
Variant type: single nucleotide variant.
Coding change: c.8324A>G on transcript NM_005245.4 (MANE Select); coding-DNA position 8324, A replaced by G.
Protein change: p.Gln2775Arg; replaces glutamine 2775 with arginine.
Molecular consequence: missense variant.
Genome position (GRCh38, 1-based): chr4:186,618,262, T>C on the plus strand (A>G on the coding strand, the complement: FAT1 is on the minus strand). VCF-style: chr4-186618262-T-C. GRCh37 (hg19) VCF-style: chr4-187539416-T-C.
Other names: short protein forms Q2775R.
Identifiers: ClinVar variation 1313831 (VCV001313831.6), dbSNP rs780028172, ClinGen allele CA3165899.

ClinVar aggregate classification (germline): Uncertain significance. Review status: criteria provided, multiple submitters, no conflicts (2 of 4 stars). 3 submissions from 3 submitters: Uncertain significance (3). Last evaluated 2025-03-27.

Conditions:
Inborn genetic diseases. Identifiers: MedGen C0950123, MeSH D030342.

Allele frequency attached by ClinVar (database versions not stated): gnomAD exomes 0.00024 and 0.00005; ExAC 0.00004.
gnomAD v4.1: 148 of 1,613,936 alleles (0.0092%); highest among the groups gnomAD compares: Admixed American, 0.24%; 1 homozygote.

Submissions (3):

Ambry Genetics
Classification: Uncertain significance for Inborn genetic diseases. Last evaluated: 2025-03-27. Review status: criteria provided, single submitter. Criteria: Ambry Variant Classification Scheme 2023. Collection method: clinical testing. Allele origin: germline.

Labcorp Genetics (formerly Invitae), Labcorp
Classification: Uncertain significance. Last evaluated: 2022-04-23. Review status: criteria provided, single submitter. Criteria: Invitae Variant Classification Sherloc (09022015). Collection method: clinical testing. Allele origin: germline.
Comment: In summary, the available evidence is currently insufficient to determine the role of this variant in disease. Therefore, it has been classified as a Variant of Uncertain Significance. Algorithms developed to predict the effect of missense changes on protein structure and function (SIFT, PolyPhen-2, Align-GVGD) all suggest that this variant is likely to be disruptive. ClinVar contains an entry for this variant (Variation ID: 1313831). This variant has not been reported in the literature in individuals affected with FAT1-related conditions. This variant is present in population databases (rs780028172, gnomAD 0.2%). This sequence change replaces glutamine, which is neutral and polar, with arginine, which is basic and polar, at codon 2775 of the FAT1 protein (p.Gln2775Arg).

GeneDx
Classification: Uncertain significance. Last evaluated: 2021-01-06. Review status: criteria provided, single submitter. Criteria: GeneDx Variant Classification Process June 2021. Collection method: clinical testing. Allele origin: germline. Affected: yes.
Comment: In silico analysis supports that this missense variant does not alter protein structure/function; Has not been previously published as pathogenic or benign to our knowledge